The following is an entry in ClinVar:

NM_019066.5(MAGEL2):c.697C>T (p.Pro233Ser)

Gene: MAGEL2 (MAGE family member L2; minus strand). Cytogenetic location: 15q11.2.
Variant type: single nucleotide variant.
Coding change: c.697C>T on transcript NM_019066.5 (MANE Select); coding-DNA position 697, C replaced by T.
Protein change: p.Pro233Ser; replaces proline 233 with serine.
Molecular consequence: missense variant.
Genome position (GRCh38, 1-based): chr15:23,647,046, G>A on the plus strand (C>T on the coding strand, the complement: MAGEL2 is on the minus strand). VCF-style: chr15-23647046-G-A. GRCh37 (hg19) VCF-style: chr15-23892193-G-A.
Other names: short protein forms P233S.
Identifiers: ClinVar variation 4776906 (VCV004776906.2).

ClinVar aggregate classification (germline): Uncertain significance. Review status: criteria provided, multiple submitters, no conflicts (2 of 4 stars). 2 submissions from 2 submitters: Uncertain significance (2). Last evaluated 2025-09-24.

Submissions (2):

Labcorp Genetics (formerly Invitae), Labcorp
Classification: Uncertain significance. Last evaluated: 2025-09-24. Review status: criteria provided, single submitter. Criteria: Invitae Variant Classification Sherloc (09022015). Collection method: clinical testing. Allele origin: germline.
Comment: This sequence change replaces proline, which is neutral and non-polar, with serine, which is neutral and polar, at codon 233 of the MAGEL2 protein (p.Pro233Ser). This variant is present in population databases (no rsID available, gnomAD no frequency). This variant has not been reported in the literature in individuals affected with MAGEL2-related conditions. Experimental studies and prediction algorithms are not available or were not evaluated, and the functional significance of this variant is currently unknown. In summary, the available evidence is currently insufficient to determine the role of this variant in disease. Therefore, it has been classified as a Variant of Uncertain Significance.

Blueprint Genetics
Classification: Uncertain significance. Last evaluated: 2023-05-02. Review status: criteria provided, single submitter. Criteria: ACMG Guidelines, 2015. Collection method: clinical testing. Allele origin: germline.